The following is an entry in ClinVar:

ClinVar aggregate classification (germline): Conflicting classifications of pathogenicity. Review status: criteria provided, conflicting classifications (1 of 4 stars). 8 submissions from 7 submitters: Uncertain significance (2); Likely benign (5). 1 of the submissions does not count toward it. Last evaluated 2025-09-08.

Conditions:
TECTA-related disorder. Also called: TECTA-related condition.
Inborn genetic diseases. Identifiers: MedGen C0950123, MeSH D030342.
Autosomal recessive nonsyndromic hearing loss 21. Identifiers: Orphanet 90636, MedGen C1863655, MONDO:0011351, OMIM 603629.
Autosomal dominant nonsyndromic hearing loss 12. Also called: DEAFNESS, AUTOSOMAL DOMINANT 8. Identifiers: Orphanet 90635, MedGen C1832187, MONDO:0011102, OMIM 601543.

Allele frequency attached by ClinVar (database versions not stated): 1000 Genomes Project 30x 0.00016; 1000 Genomes Project 0.00020; TOPMed 0.00092; ESP Exome Variant Server 0.00108; gnomAD 0.00117 and 0.00123; gnomAD exomes 0.00118 and 0.00159; ExAC 0.00126.
gnomAD v4.1: 2,482 of 1,614,236 alleles (0.15%); highest among the groups gnomAD compares: Non-Finnish European, 0.18%; 5 homozygotes.

Submissions (8):

Labcorp Genetics (formerly Invitae), Labcorp
Classification: Likely benign. Last evaluated: 2025-09-08. Review status: criteria provided, single submitter. Criteria: Invitae Variant Classification Sherloc (09022015). Collection method: clinical testing. Allele origin: germline.

Blueprint Genetics
Classification: Likely benign. Last evaluated: 2024-11-25. Review status: criteria provided, single submitter. Criteria: ACMG Guidelines, 2015. Collection method: clinical testing. Allele origin: germline.

Ambry Genetics
Classification: Uncertain significance for Inborn genetic diseases. Last evaluated: 2021-08-10. Review status: criteria provided, single submitter. Criteria: Ambry Variant Classification Scheme 2023. Collection method: clinical testing. Allele origin: germline.

GeneDx
Classification: Likely benign. Last evaluated: 2020-09-25. Review status: criteria provided, single submitter. Criteria: GeneDx Variant Classification Process June 2021. Collection method: clinical testing. Allele origin: germline. Affected: yes.
Comment: Observed in 0.1191% (337/282894 alleles) in large population cohorts (Lek et al., 2016)

Illumina Laboratory Services, Illumina
Classification: Uncertain significance for Autosomal recessive nonsyndromic hearing loss 21. Last evaluated: 2018-01-13. Review status: criteria provided, single submitter. Criteria: ICSL Variant Classification Criteria 13 December 2019. Collection method: clinical testing. Allele origin: germline.

Illumina Laboratory Services, Illumina
Classification: Likely benign for Autosomal dominant nonsyndromic hearing loss 12. Last evaluated: 2018-01-13. Review status: criteria provided, single submitter. Criteria: ICSL Variant Classification Criteria 13 December 2019. Collection method: clinical testing. Allele origin: germline.
Comment: This variant was observed in the ICSL laboratory as part of a predisposition screen in an ostensibly healthy population. It had not been previously curated by ICSL or reported in the Human Gene Mutation Database (HGMD: prior to June 1st, 2018), and was therefore a candidate for classification through an automated scoring system. Utilizing variant allele frequency, disease prevalence and penetrance estimates, and inheritance mode, an automated score was calculated to assess if this variant is too frequent to cause the disease. Based on the score and internal cut-off values, a variant classified as likely benign is not then subjected to further curation. The score for this variant resulted in a classification of likely benign for this disease.

Laboratory for Molecular Medicine, Mass General Brigham Personalized Medicine
Classification: Likely benign. Last evaluated: 2017-06-24. Review status: criteria provided, single submitter. Criteria: LMM Criteria. Collection method: clinical testing. Allele origin: germline. Observed: 2 variant alleles.
Comment: p.Ile1574Val in exon 14 of TECTA: This variant is not expected to have clinical significance due to a lack of conservation across species, including mammals. Of note, Golden hamster, cat, rabbit, and four other mammals have a valine (Val) a t this position despite high nearby amino acid conservation. It has also been i dentified in 0.2% (63/25794) of Finnish chromosomes and 0.2% (221/126732) of Eur opean chromosomes by the Genome Aggregation Database (gnomAD; dbSNP rs147354818).

PreventionGenetics, part of Exact Sciences
Classification: Likely benign for TECTA-related condition. Last evaluated: 2019-06-25. Review status: no assertion criteria provided. Collection method: clinical testing. Allele origin: germline. Not counted in ClinVar's aggregate classification.
Comment: This variant is classified as likely benign based on ACMG/AMP sequence variant interpretation guidelines (Richards et al. 2015 PMID: 25741868, with internal and published modifications).

NM_005422.4(TECTA):c.4720A>G (p.Ile1574Val)

Genes: TBCEL-TECTA (TBCEL-TECTA readthrough; plus strand), TECTA (tectorin alpha; plus strand). Cytogenetic location: 11q23.3.
Variant type: single nucleotide variant.
Coding change: c.4720A>G on transcript NM_005422.4 (MANE Select); coding-DNA position 4720, A replaced by G.
Protein change: p.Ile1574Val; replaces isoleucine 1574 with valine.
Molecular consequence: missense variant.
Genome position (GRCh38, 1-based): chr11:121,160,165, A>G. VCF-style: chr11-121160165-A-G. GRCh37 (hg19) VCF-style: chr11-121030874-A-G.
Other names: c.5677A>G, p.Ile1893Val (NM_001378761.1); short protein forms I1574V, I1893V.
Identifiers: ClinVar variation 303027 (VCV000303027.24), dbSNP rs147354818, ClinGen allele CA6327552.